The following is an entry in ClinVar:

NM_173354.5(SIK1):c.1304C>T (p.Ser435Phe)

Gene: SIK1 (salt inducible kinase 1; minus strand). Cytogenetic location: 21q22.3.
Variant type: single nucleotide variant.
Coding change: c.1304C>T on transcript NM_173354.5 (MANE Select); coding-DNA position 1304, C replaced by T.
Protein change: p.Ser435Phe; replaces serine 435 with phenylalanine.
Molecular consequence: missense variant.
Genome position (GRCh38, 1-based): chr21:43,419,179, G>A on the plus strand (C>T on the coding strand, the complement: SIK1 is on the minus strand). VCF-style: chr21-43419179-G-A. GRCh37 (hg19) VCF-style: chr21-44839059-G-A.
Other names: short protein forms S435F.
Identifiers: ClinVar variation 1388913 (VCV001388913.8), dbSNP rs1485607281, ClinGen allele CA410608290.
Genomic context (GRCh38, chr21:43,419,179, plus strand): 5'-TCTAGGCCCGGCCCCTGCCTGGCCTCCTCACTGATGGCTGTGTCCAGCAGGCTGCTTGGG[G>A]ACACGGGCCGGGGCCGGAACACTCCGCTGCAGCTGGCATCCACCGGGAAGAACAAGGGCT-3'
Protein context (NP_775490.2, residues 425-445): CSGVFRPRPV[Ser435Phe]PSSLLDTAIS

ClinVar aggregate classification (germline): Uncertain significance (1 of 4 stars; one submission).

Conditions:
Developmental and epileptic encephalopathy, 30 (DEE30). Also called: Epileptic encephalopathy, early infantile, 30. Identifiers: MedGen C4225360, MONDO:0014595, OMIM 616341.

Submission:

Labcorp Genetics (formerly Invitae), Labcorp
Classification: Uncertain significance for Developmental and epileptic encephalopathy, 30. Last evaluated: 2022-06-22. Review status: criteria provided, single submitter. Criteria: Invitae Variant Classification Sherloc (09022015). Collection method: clinical testing. Allele origin: germline.
Comment: In summary, the available evidence is currently insufficient to determine the role of this variant in disease. Therefore, it has been classified as a Variant of Uncertain Significance. Algorithms developed to predict the effect of missense changes on protein structure and function (SIFT, PolyPhen-2, Align-GVGD) all suggest that this variant is likely to be disruptive. This missense change has been observed in individual(s) with clinical features of SIK1-related conditions (Invitae). This variant is not present in population databases (gnomAD no frequency). This sequence change replaces serine, which is neutral and polar, with phenylalanine, which is neutral and non-polar, at codon 435 of the SIK1 protein (p.Ser435Phe).